The following is an entry in ClinVar:

ClinVar aggregate classification (germline): Uncertain significance (1 of 4 stars; one submission).

Conditions:
Landau-Kleffner syndrome (FESD). Also called: EPILEPSY, FOCAL, WITH SPEECH DISORDER AND WITH OR WITHOUT MENTAL RETARDATION; APHASIA, ACQUIRED, WITH EPILEPSY. Identifiers: Orphanet 1945, Orphanet 725, Orphanet 98818, MedGen C0282512, MONDO:0009509, OMIM 245570.

gnomAD v4.1: 1 of 1,614,108 alleles (0.000062%); highest among the groups gnomAD compares: Non-Finnish European, 0.000085%; no homozygotes.

Submission:

Labcorp Genetics (formerly Invitae), Labcorp
Classification: Uncertain significance for Landau-Kleffner syndrome. Last evaluated: 2022-08-16. Review status: criteria provided, single submitter. Criteria: Invitae Variant Classification Sherloc (09022015). Collection method: clinical testing. Allele origin: germline.
Comment: This sequence change replaces leucine, which is neutral and non-polar, with phenylalanine, which is neutral and non-polar, at codon 238 of the GRIN2A protein (p.Leu238Phe). This variant is not present in population databases (gnomAD no frequency). This variant has not been reported in the literature in individuals affected with GRIN2A-related conditions. Advanced modeling of protein sequence and biophysical properties (such as structural, functional, and spatial information, amino acid conservation, physicochemical variation, residue mobility, and thermodynamic stability) performed at Invitae indicates that this missense variant is not expected to disrupt GRIN2A protein function. In summary, the available evidence is currently insufficient to determine the role of this variant in disease. Therefore, it has been classified as a Variant of Uncertain Significance.

NM_001134407.3(GRIN2A):c.712C>T (p.Leu238Phe)

Gene: GRIN2A (glutamate ionotropic receptor NMDA type subunit 2A; minus strand). Cytogenetic location: 16p13.2.
Variant type: single nucleotide variant.
Coding change: c.712C>T on transcript NM_001134407.3 (MANE Select); coding-DNA position 712, C replaced by T.
Protein change: p.Leu238Phe; replaces leucine 238 with phenylalanine.
Molecular consequence: missense variant.
Genome position (GRCh38, 1-based): chr16:9,938,254, G>A on the plus strand (C>T on the coding strand, the complement: GRIN2A is on the minus strand). VCF-style: chr16-9938254-G-A. GRCh37 (hg19) VCF-style: chr16-10032111-G-A.
Other names: c.712C>T, p.Leu238Phe (NM_000833.5, NM_001134408.2); short protein forms L238F.
Identifiers: ClinVar variation 1716567 (VCV001716567.6), dbSNP rs899780729, ClinGen allele CA278194581.